The following is an entry in ClinVar:

NM_005045.4(RELN):c.1560G>A (p.Pro520=)

Gene: RELN (reelin; minus strand). Cytogenetic location: 7q22.1.
Variant type: single nucleotide variant.
Coding change: c.1560G>A on transcript NM_005045.4 (MANE Select); coding-DNA position 1560, G replaced by A.
Protein change: p.Pro520=; no amino-acid change (proline 520 retained).
Molecular consequence: synonymous variant.
Genome position (GRCh38, 1-based): chr7:103,652,754, C>T on the plus strand (G>A on the coding strand, the complement: RELN is on the minus strand). VCF-style: chr7-103652754-C-T. GRCh37 (hg19) VCF-style: chr7-103293201-C-T.
Other names: c.1560G>A, p.Pro520= (NM_173054.3).
Identifiers: ClinVar variation 1146453 (VCV001146453.31), dbSNP rs41276157, ClinGen allele CA4422222.

ClinVar aggregate classification (germline): Likely benign. Review status: criteria provided, multiple submitters, no conflicts (2 of 4 stars). 2 submissions from 2 submitters: Likely benign (2). Last evaluated 2024-12-02.

Conditions:
Familial temporal lobe epilepsy 7. Identifiers: Orphanet 101046, MedGen C4225327, MONDO:0014639, OMIM 616436.
Norman-Roberts syndrome (LIS2). Also called: Lissencephaly 2 (Norman-Roberts type). Identifiers: Orphanet 89844, MedGen C0796089, MONDO:0009760, OMIM 257320.

Allele frequency attached by ClinVar (database versions not stated): ExAC 0.00002; gnomAD 0.00002; gnomAD exomes 0.00002 and 0.00004; TOPMed 0.00003; ESP Exome Variant Server 0.00008.
gnomAD v4.1: 55 of 1,612,388 alleles (0.0034%); highest among the groups gnomAD compares: Non-Finnish European, 0.0041%; no homozygotes.

Submissions (2):

Labcorp Genetics (formerly Invitae), Labcorp
Classification: Likely benign for Familial temporal lobe epilepsy 7; Norman-Roberts syndrome. Last evaluated: 2024-12-02. Review status: criteria provided, single submitter. Criteria: Invitae Variant Classification Sherloc (09022015). Collection method: clinical testing. Allele origin: germline.

CeGaT Center for Human Genetics Tuebingen
Classification: Likely benign. Last evaluated: 2024-01-01. Review status: criteria provided, single submitter. Criteria: CeGaT Center For Human Genetics Tuebingen Variant Classification Criteria Version 2. Collection method: clinical testing. Allele origin: germline. Affected: yes. Observed: 1 variant allele.
Comment: RELN: BP4, BP7